The following is an entry in ClinVar:

NM_206933.4(USH2A):c.10450C>T (p.Arg3484Ter)

Gene: USH2A (usherin; minus strand). Cytogenetic location: 1q41.
Variant type: single nucleotide variant.
Coding change: c.10450C>T on transcript NM_206933.4 (MANE Select); coding-DNA position 10450, C replaced by T.
Protein change: p.Arg3484Ter; replaces arginine 3484 with a stop codon.
Molecular consequence: nonsense.
Genome position (GRCh38, 1-based): chr1:215,782,873, G>A on the plus strand (C>T on the coding strand, the complement: USH2A is on the minus strand). VCF-style: chr1-215782873-G-A. GRCh37 (hg19) VCF-style: chr1-215956215-G-A.
Other names: p.Arg3484*; c.10450C>T (NM_206933.3); short protein forms R3484*.
Identifiers: ClinVar variation 48348 (VCV000048348.28), dbSNP rs111033379, ClinGen allele CA262056.

ClinVar aggregate classification (germline): Pathogenic/Likely pathogenic. Review status: criteria provided, multiple submitters, no conflicts (2 of 4 stars). 14 submissions from 13 submitters: Pathogenic (10); Likely pathogenic (3). 1 of the submissions does not count toward it. Last evaluated 2025-12-22.

Conditions:
Rare genetic deafness. Identifiers: Orphanet 96210, MedGen C5680250.
Usher syndrome. Also called: Usher Syndromes; Usher's syndrome. Identifiers: Orphanet 886, MedGen CN469326, MeSH D052245, MONDO:0019501. Disease mechanism: loss of function.
USH2A-related disorder. Also called: USH2A-related disorders; USH2A-related condition. Identifiers: MedGen CN239332.
Retinal dystrophy. Also called: Inherited retinal dystrophy. Identifiers: Orphanet 71862, MedGen C0854723, MeSH D058499, MONDO:0019118, HP:0000556.
Usher syndrome type 2A. Also called: RETINAL DISEASE IN USHER SYNDROME TYPE IIA, MODIFIER OF; USHER SYNDROME, TYPE IIA. Identifiers: Orphanet 231178, Orphanet 886, MedGen C1848634, MONDO:0010169, OMIM 276901.
Retinitis pigmentosa 39 (RP39). Identifiers: Orphanet 791, MedGen C3151138, MONDO:0013436, OMIM 613809.

gnomAD v4.1: 30 of 1,613,748 alleles (0.0019%); highest among the groups gnomAD compares: Admixed American, 0.005%; no homozygotes.

Submissions (14):

Women's Health and Genetics/Laboratory Corporation of America, LabCorp
Classification: Pathogenic for Usher syndrome. Last evaluated: 2025-12-22. Review status: criteria provided, single submitter. Criteria: LabCorp Variant Classification Summary - May 2015. Collection method: clinical testing. Allele origin: germline.
Comment: Variant summary: USH2A c.10450C>T (p.Arg3484X) results in a premature termination codon, predicted to cause a truncation of the encoded protein or absence of the protein due to nonsense mediated decay, which are commonly known mechanisms for disease. The variant allele was found at a frequency of 2.8e-05 in 250938 control chromosomes. c.10450C>T has been observed in individual(s) affected with Usher Syndrome. The following publication have been ascertained in the context of this evaluation (PMID: 25558175). ClinVar contains an entry for this variant (Variation ID: 48348). Based on the evidence outlined above, the variant was classified as pathogenic.

Labcorp Genetics (formerly Invitae), Labcorp
Classification: Pathogenic. Last evaluated: 2025-12-21. Review status: criteria provided, single submitter. Criteria: Invitae Variant Classification Sherloc (09022015). Collection method: clinical testing. Allele origin: germline.
Comment: This sequence change creates a premature translational stop signal (p.Arg3484*) in the USH2A gene. It is expected to result in an absent or disrupted protein product. Loss-of-function variants in USH2A are known to be pathogenic (PMID: 10729113, 10909849, 20507924, 25649381). This variant is present in population databases (rs111033379, gnomAD 0.006%). This premature translational stop signal has been observed in individual(s) with Usher syndrome (PMID: 18273898, 23737954, 25558175, 29142287). In at least one individual the data is consistent with being in trans (on the opposite chromosome) from a pathogenic variant. ClinVar contains an entry for this variant (Variation ID: 48348). For these reasons, this variant has been classified as Pathogenic.

Natera, Inc.
Classification: Pathogenic for Usher syndrome type 2A. Last evaluated: 2025-04-20. Review status: criteria provided, single submitter. Criteria: Natera Variant Classification Schema (03/2026). Collection method: clinical testing. Allele origin: germline.
Comment: The c.10450C>T variant in USH2A is a nonsense variant predicted to introduce a stop codon at amino acid 3484. This variant is expected to result in nonsense mediated decay, truncation, or a dysfunctional protein product. This variant is rare in the general population with a frequency below the threshold expected for the associated phenotype(s). This variant has been observed in one or more individuals affected with the associated recessive disease, as either homozygous or compound heterozygous with a second variant (PMID: 25558175). Given the available evidence, this variant is classified as Pathogenic.

Mayo Clinic Laboratories, Mayo Clinic
Classification: Pathogenic. Last evaluated: 2025-03-31. Review status: criteria provided, single submitter. Criteria: ACMG Guidelines, 2015. Collection method: clinical testing. Allele origin: germline. Observed: 1 variant allele.
Comment: PP1, PM2_moderate, PM3_strong, PVS1

Blueprint Genetics
Classification: Pathogenic for USH2A-related disorders. Last evaluated: 2024-10-07. Review status: criteria provided, single submitter. Criteria: ACMG Guidelines, 2015. Collection method: clinical testing. Allele origin: germline. Affected: yes. Observed: 5 variant alleles.

Baylor Genetics
Classification: Pathogenic for Retinitis pigmentosa 39. Last evaluated: 2024-02-14. Review status: criteria provided, single submitter. Criteria: ACMG Guidelines, 2015. Collection method: clinical testing. Allele origin: unknown.

Genome-Nilou Lab
Classification: Likely pathogenic for Retinitis pigmentosa 39. Last evaluated: 2023-11-04. Review status: criteria provided, single submitter. Criteria: ACMG Guidelines, 2015. Collection method: clinical testing. Allele origin: germline. Affected: no.

Genome-Nilou Lab
Classification: Likely pathogenic for Usher syndrome type 2A. Last evaluated: 2023-11-04. Review status: criteria provided, single submitter. Criteria: ACMG Guidelines, 2015. Collection method: clinical testing. Allele origin: germline. Affected: no.

Institute of Human Genetics, Univ. Regensburg, Univ. Regensburg
Classification: Pathogenic for Retinal dystrophy. Last evaluated: 2022-01-01. Review status: criteria provided, single submitter. Criteria: ACMG Guidelines, 2015. Collection method: clinical testing. Allele origin: germline. Affected: yes.

Centre for Inherited Metabolic Diseases, Karolinska University Hospital
Classification: Pathogenic for Usher syndrome type 2A. Last evaluated: 2021-03-25. Review status: criteria provided, single submitter. Criteria: ACMG Guidelines, 2015. Collection method: clinical testing. Allele origin: germline. Inheritance: Autosomal recessive inheritance. Affected: yes. Observed: 1 compound heterozygote.

GeneDx
Classification: Pathogenic. Last evaluated: 2020-12-30. Review status: criteria provided, single submitter. Criteria: GeneDx Variant Classification Process June 2021. Collection method: clinical testing. Allele origin: germline. Affected: yes.
Comment: Nonsense variant predicted to result in protein truncation or nonsense mediated decay in a gene for which loss-of-function is a known mechanism of disease; Not observed at a significant frequency in large population cohorts (Lek et al., 2016); This variant is associated with the following publications: (PMID: 33576794, 31589614, 28559085, 23737954, 25558175, 25525159, 18273898)

Laboratory for Molecular Medicine, Mass General Brigham Personalized Medicine
Classification: Likely pathogenic for Rare genetic deafness. Last evaluated: 2008-03-01. Review status: criteria provided, single submitter. Criteria: LMM Criteria. Collection method: clinical testing. Allele origin: germline. Observed: 1 variant allele.

Juno Genomics, Hangzhou Juno Genomics, Inc
Classification: Pathogenic for Usher syndrome type 2A; Retinitis pigmentosa 39. Review status: criteria provided, single submitter. Criteria: ACMG Guidelines, 2015. Collection method: clinical testing. Allele origin: germline.
Comment: Absent from controls (or at extremely low frequency if recessive) in Genome Aggregation Database.;Null variant in a gene where loss of function (LOF) is a known mechanism of disease.;For recessive disorders, detected in trans with a pathogenic variant.;Patient's phenotype or family history is highly specific for a disease with a single genetic etiology.

Counsyl
Classification: Pathogenic for Usher syndrome type 2A; Retinitis pigmentosa 39. Last evaluated: 2017-10-24. Review status: no assertion criteria provided. Collection method: clinical testing. Allele origin: unknown. Not counted in ClinVar's aggregate classification.

Literature cited by the submitters: PubMed 25558175 (cited by 4 submitters); PubMed 10729113 (cited by Labcorp Genetics (formerly Invitae), Labcorp); PubMed 10909849 (cited by Labcorp Genetics (formerly Invitae), Labcorp); PubMed 20507924 (cited by Labcorp Genetics (formerly Invitae), Labcorp); PubMed 25649381 (cited by Labcorp Genetics (formerly Invitae), Labcorp); PubMed 18273898 (cited by 3 submitters); PubMed 23737954 (cited by Labcorp Genetics (formerly Invitae), Labcorp and Mayo Clinic Laboratories, Mayo Clinic); PubMed 29142287 (cited by Labcorp Genetics (formerly Invitae), Labcorp); PubMed 26075083 (cited by Mayo Clinic Laboratories, Mayo Clinic); PubMed 27318125 (cited by Mayo Clinic Laboratories, Mayo Clinic and Counsyl); PubMed 34781295 (cited by Mayo Clinic Laboratories, Mayo Clinic and Institute of Human Genetics, Univ. Regensburg, Univ. Regensburg); PubMed 37510321 (cited by Mayo Clinic Laboratories, Mayo Clinic); PubMed 25525159 (cited by Institute of Human Genetics, Univ. Regensburg, Univ. Regensburg); PubMed 28559085 (cited by Institute of Human Genetics, Univ. Regensburg, Univ. Regensburg); PubMed 31589614 (cited by Institute of Human Genetics, Univ. Regensburg, Univ. Regensburg); PubMed 31964843 (cited by Institute of Human Genetics, Univ. Regensburg, Univ. Regensburg); PubMed 31429209 (cited by Institute of Human Genetics, Univ. Regensburg, Univ. Regensburg); PubMed 32037395 (cited by Institute of Human Genetics, Univ. Regensburg, Univ. Regensburg); PubMed 33576794 (cited by Institute of Human Genetics, Univ. Regensburg, Univ. Regensburg); PubMed 33726816 (cited by Institute of Human Genetics, Univ. Regensburg, Univ. Regensburg); PubMed 35266249 (cited by Institute of Human Genetics, Univ. Regensburg, Univ. Regensburg).